The following is an entry in ClinVar:

ClinVar aggregate classification (germline): Benign/Likely benign. Review status: criteria provided, multiple submitters, no conflicts (2 of 4 stars). 4 submissions from 4 submitters: Benign (1); Likely benign (3). Last evaluated 2025-08-30.

Conditions:
Hereditary nonpolyposis colorectal neoplasms. Identifiers: MedGen C0009405, MeSH D003123.
Hereditary cancer-predisposing syndrome. Also called: Neoplastic Syndromes, Hereditary; Tumor predisposition; Hereditary Cancer Syndrome; Hereditary neoplastic syndrome. Identifiers: Orphanet 140162, MedGen C0027672, MeSH D009386, MONDO:0015356.
Lynch syndrome 5 (LYNCH5). Also called: Colorectal cancer, hereditary nonpolyposis, type 5; Hereditary non-polyposis colorectal cancer, type 5. Identifiers: Orphanet 144, MedGen C1833477, MONDO:0013710, OMIM 614350. Disease mechanism: loss of function.

Allele frequency attached by ClinVar (database versions not stated): gnomAD exomes below 0.00001.
gnomAD v4.1: 1 of 1,614,150 alleles (0.000062%); highest among the groups gnomAD compares: South Asian, 0.0011%; no homozygotes.

Submissions (4):

Color Diagnostics, LLC DBA Color Health
Classification: Likely benign for Hereditary cancer-predisposing syndrome. Last evaluated: 2025-08-30. Review status: criteria provided, single submitter. Criteria: ACMG Guidelines, 2015. Collection method: clinical testing. Allele origin: germline.

Myriad Genetics, Inc.
Classification: Benign for Lynch syndrome 5. Last evaluated: 2024-12-27. Review status: criteria provided, single submitter. Criteria: Myriad Autosomal Dominant, Autosomal Recessive and X-Linked Classification Criteria (2023). Collection method: clinical testing. Allele origin: unknown.
Comment: This variant is considered benign. This variant is a silent/synonymous amino acid change and it is not expected to impact splicing.

Labcorp Genetics (formerly Invitae), Labcorp
Classification: Likely benign for Hereditary nonpolyposis colorectal neoplasms. Last evaluated: 2023-11-28. Review status: criteria provided, single submitter. Criteria: Invitae Variant Classification Sherloc (09022015). Collection method: clinical testing. Allele origin: germline.

Ambry Genetics
Classification: Likely benign for Hereditary cancer-predisposing syndrome. Last evaluated: 2021-06-25. Review status: criteria provided, single submitter. Criteria: Ambry Variant Classification Scheme 2023. Collection method: clinical testing. Allele origin: germline.

NM_000179.3(MSH6):c.1614T>C (p.Tyr538=)

Gene: MSH6 (mutS homolog 6; plus strand). Cytogenetic location: 2p16.3.
Variant type: single nucleotide variant.
Coding change: c.1614T>C on transcript NM_000179.3 (MANE Select); coding-DNA position 1614, T replaced by C.
Protein change: p.Tyr538=; no amino-acid change (tyrosine 538 retained).
Molecular consequence: synonymous variant. On other transcripts: non-coding transcript variant (4), intron variant (2).
Genome position (GRCh38, 1-based): chr2:47,799,597, T>C. VCF-style: chr2-47799597-T-C. GRCh37 (hg19) VCF-style: chr2-48026736-T-C.
Other names: c.1317T>C, p.Tyr439= (NM_001406821.1, NM_001406828.1, NM_001406822.1 and 10 more transcripts); c.708T>C, p.Tyr236= (NM_001406823.1, NM_001281493.2, NM_001281494.2 and 6 more transcripts); c.1446T>C, p.Tyr482= (NM_001406826.1); c.1224T>C, p.Tyr408= (NM_001281492.2); c.1710T>C, p.Tyr570= (NM_001406795.1, NM_001406802.1); c.1614T>C, p.Tyr538= (NM_001406796.1, NM_001406798.1, NM_001406800.1 and 3 more transcripts); c.1089T>C, p.Tyr363= (NM_001406799.1, NM_001406806.1, NM_001406807.1); c.1536T>C, p.Tyr512= (NM_001406804.1); and 3 more.
Identifiers: ClinVar variation 1776467 (VCV001776467.8), dbSNP rs63750870, ClinGen allele CA426121420.
Genomic context (GRCh38, chr2:47,799,597, plus strand): 5'-CAAGGGTACACAGACTTACAGTGTGCTGGAAGGTGATCCCTCTGAGAACTACAGTAAGTA[T>C]CTTCTTAGCCTCAAAGAAAAAGAGGAAGATTCTTCTGGCCATACTCGTGCATATGGTGTG-3'
Protein context (NP_000170.1, residues 528-548): EGDPSENYSK[Tyr538=]LLSLKEKEED